The following is an entry in ClinVar:

ClinVar aggregate classification (germline): Uncertain significance. Review status: criteria provided, multiple submitters, no conflicts (2 of 4 stars). 2 submissions from 2 submitters: Uncertain significance (2). Last evaluated 2024-09-23.

Conditions:
Multiple endocrine neoplasia, type 1 (MEN1). Also called: MEN I; WERMER SYNDROME; Endocrine adenomatosis multiple; MEN 1; MEA I. Identifiers: Orphanet 652, MedGen C0025267, MeSH D018761, MONDO:0007540, OMIM 131100.

Submissions (2):

All of Us Research Program, National Institutes of Health
Classification: Uncertain significance for Multiple endocrine neoplasia, type 1. Last evaluated: 2024-09-23. Review status: criteria provided, single submitter. Criteria: ACMG Guidelines, 2015. Collection method: clinical testing. Allele origin: germline. Inheritance: Autosomal dominant inheritance. Observed: 1 variant allele, 1 heterozygote.
Comment: This study involves interpretation of variants in research participants for the purpose of population health screening. Participant phenotype was not available at the time of variant classification. Additional details can be found in publication PMID: 35346344, PMCID: PMC8962531

Labcorp Genetics (formerly Invitae), Labcorp
Classification: Uncertain significance for Multiple endocrine neoplasia, type 1. Last evaluated: 2017-03-12. Review status: criteria provided, single submitter. Criteria: Invitae Variant Classification Sherloc (09022015). Collection method: clinical testing. Allele origin: germline.
Comment: This sequence change deletes 2 nucleotides in exon 10 of the MEN1 mRNA (c.1798_1799delCT), causing a frameshift at codon 600 (p.Leu600Valfs*78). While this is not anticipated to result in nonsense mediated decay, it is expected to disrupt the last 11 amino acids of the MEN1 protein and to extend the protein by an additional 67 amino acids. This variant is not present in population databases (ExAC no frequency) and has not been reported in the literature in individuals with a MEN1-related disease. In summary, this variant is a novel frameshift variant in the final exon of MEN1 with uncertain impact on protein function. It has been classified as a Variant of Uncertain Significance. This frameshift change partially disrupts the NLS2 domain (AAs 588-608) of the MEN1 protein, which is important for its DNA binding activity (PMID: 15331604, 16449969). However, the effect of this partial disruption on protein function is unknown.

Literature cited by the submitters: PubMed 15331604 (cited by Labcorp Genetics (formerly Invitae), Labcorp); PubMed 16449969 (cited by Labcorp Genetics (formerly Invitae), Labcorp).

NM_001370259.2(MEN1):c.1798_1799del (p.Leu600fs)

Gene: MEN1 (menin 1; minus strand). Cytogenetic location: 11q13.1.
Variant type: Microsatellite.
Coding change: c.1798_1799del on transcript NM_001370259.2 (MANE Select); coding-DNA positions 1798 to 1799, 2 bases deleted (CT; older notation c.1798_1799delCT).
Protein change: p.Leu600fs; shifts the reading frame from leucine 600.
Molecular consequence: frameshift variant.
Genome position (GRCh38, 1-based): chr11:64,804,368-64,804,369, AG deleted on the plus strand (CT on the coding strand, the reverse complement: MEN1 is on the minus strand); deleting any 2 consecutive bases within chr11:64,804,368-64,804,371 gives the same sequence; the c. name uses the placement nearest the transcript's 3' end. VCF-style (leftmost placement, unchanged base first): chr11-64804367-CAG-C. GRCh37 (hg19) VCF-style: chr11-64571839-CAG-C.
Other names: c.1813_1814del, p.Leu605fs (NM_000244.4, NM_130800.3, NM_130801.3 and 3 more transcripts); c.1924_1925del, p.Leu642fs (NM_001370251.2); c.1798_1799del, p.Leu600fs (NM_001370260.2, NM_001370261.2, NM_130799.3); c.1693_1694del, p.Leu565fs (NM_001370262.2, NM_001370263.2); c.1798_1799delCT (NM_130799.2); short protein forms L605fs, L600fs, L565fs, L642fs.
Identifiers: ClinVar variation 457315 (VCV000457315.10), dbSNP rs1555163017, ClinGen allele CA658656128.